The following is an entry in ClinVar:

NM_000057.4(BLM):c.3467del (p.Asp1156fs)

Gene: BLM (BLM RecQ like helicase; plus strand). Cytogenetic location: 15q26.1.
Variant type: Deletion.
Coding change: c.3467del on transcript NM_000057.4 (MANE Select); coding-DNA position 3467, one base deleted (A; older notation c.3467delA).
Protein change: p.Asp1156fs; shifts the reading frame from aspartic acid 1156.
Molecular consequence: frameshift variant. On other transcripts: intron variant (1).
Genome position (GRCh38, 1-based): chr15:90,803,629, A deleted. VCF-style (leftmost placement, unchanged base first): chr15-90803628-GA-G. GRCh37 (hg19) VCF-style: chr15-91346858-GA-G.
Other names: c.3467del, p.Asp1156fs (NM_001287246.2); c.2342del, p.Asp781fs (NM_001287248.2); c.3358+5292del (NM_001287247.2); short protein forms D781fs, D1156fs.
Identifiers: ClinVar variation 2089638 (VCV002089638.4), dbSNP rs2505547324, ClinGen allele CA2580090291.

ClinVar aggregate classification (germline): Pathogenic (1 of 4 stars; one submission).

Conditions:
Bloom syndrome (BLM). Also called: Bloom-Torre-Machacek syndrome. Identifiers: Orphanet 125, MedGen C0005859, MONDO:0008876, OMIM 210900.

Submission:

Labcorp Genetics (formerly Invitae), Labcorp
Classification: Pathogenic for Bloom syndrome. Last evaluated: 2022-03-13. Review status: criteria provided, single submitter. Criteria: Invitae Variant Classification Sherloc (09022015). Collection method: clinical testing. Allele origin: germline.
Comment: This variant has not been reported in the literature in individuals affected with BLM-related conditions. For these reasons, this variant has been classified as Pathogenic. This variant is not present in population databases (gnomAD no frequency). This sequence change creates a premature translational stop signal (p.Asp1156Valfs*16) in the BLM gene. It is expected to result in an absent or disrupted protein product. Loss-of-function variants in BLM are known to be pathogenic (PMID: 17407155).

Literature cited by the submitters: PubMed 17407155.